The following is an entry in ClinVar:

ClinVar aggregate classification (germline): Uncertain significance (1 of 4 stars; one submission).

gnomAD v4.1: 209 of 1,602,596 alleles (0.013%); highest among the groups gnomAD compares: Non-Finnish European, 0.015%; no homozygotes.

Submission:

CeGaT Center for Human Genetics Tuebingen
Classification: Uncertain significance. Last evaluated: 2026-02-01. Review status: criteria provided, single submitter. Criteria: CeGaT Center For Human Genetics Tuebingen Variant Classification Criteria Version 2. Collection method: clinical testing. Allele origin: germline. Affected: yes. Observed: 1 variant allele.
Comment: CFAP69: PM2, BP4

NM_001039706.3(CFAP69):c.1666G>A (p.Gly556Arg)

Gene: CFAP69 (cilia and flagella associated protein 69; plus strand). Cytogenetic location: 7q21.13.
Variant type: single nucleotide variant.
Coding change: c.1666G>A on transcript NM_001039706.3 (MANE Select); coding-DNA position 1666, G replaced by A.
Protein change: p.Gly556Arg; replaces glycine 556 with arginine.
Molecular consequence: missense variant.
Genome position (GRCh38, 1-based): chr7:90,288,243, G>A. VCF-style: chr7-90288243-G-A. GRCh37 (hg19) VCF-style: chr7-89917557-G-A.
Other names: c.1612G>A, p.Gly538Arg (NM_001160138.2); c.1666G>A, p.Gly556Arg (NM_001363438.1); short protein forms G538R, G556R.
Identifiers: ClinVar variation 4821437 (VCV004821437.4).
Genomic context (GRCh38, chr7:90,288,243, plus strand): 5'-GGAATTATTTATTTATTTCAAGAAATAATTTAAAACAAATATCTTAAACAGGAAATTTTC[G>A]GAACTGAAGGAGTAGATATCGTTCTTCATGTGATGAAAACAGACCCCAGGAAGTTACAGA-3'
Protein context (NP_001034795.2, residues 546-566): ENHIQRKEIF[Gly556Arg]TEGVDIVLHV